The following is an entry in ClinVar:

ClinVar aggregate classification (germline): Uncertain significance (1 of 4 stars; one submission).

Submission:

Ambry Genetics
Classification: Uncertain significance. Last evaluated: 2026-07-05. Review status: criteria provided, single submitter. Criteria: Ambry Variant Classification Scheme 2023. Collection method: clinical testing. Allele origin: germline.
Comment: The p.N1139D variant (also known as c.3415A>G), located in coding exon 13 of the CDK12 gene, results from an A to G substitution at nucleotide position 3415. The asparagine at codon 1139 is replaced by aspartic acid, an amino acid with highly similar properties. This amino acid position is conserved. In addition, this alteration is predicted to be tolerated by in silico analysis. Based on the available evidence, the clinical significance of this variant remains unclear.

NM_016507.4(CDK12):c.3415A>G (p.Asn1139Asp)

Gene: CDK12 (cyclin dependent kinase 12; plus strand). Cytogenetic location: 17q12.
Variant type: single nucleotide variant.
Coding change: c.3415A>G on transcript NM_016507.4 (MANE Select); coding-DNA position 3415, A replaced by G.
Protein change: p.Asn1139Asp; replaces asparagine 1139 with aspartic acid.
Molecular consequence: missense variant.
Genome position (GRCh38, 1-based): chr17:39,525,971, A>G. VCF-style: chr17-39525971-A-G. GRCh37 (hg19) VCF-style: chr17-37682224-A-G.
Other names: c.3415A>G, p.Asn1139Asp (NM_015083.4); short protein forms N1139D.
Identifiers: ClinVar variation 5034077 (VCV005034077.1).